The following is an entry in ClinVar:

NM_007215.4(POLG2):c.353T>C (p.Val118Ala)

Genes: MILR1 (mast cell immunoglobulin like receptor 1; plus strand), POLG2 (DNA polymerase gamma 2, accessory subunit; minus strand). Cytogenetic location: 17q23.3.
Variant type: single nucleotide variant.
Coding change: c.353T>C on transcript NM_007215.4 (MANE Select); coding-DNA position 353, T replaced by C.
Protein change: p.Val118Ala; replaces valine 118 with alanine.
Molecular consequence: missense variant.
Genome position (GRCh38, 1-based): chr17:64,496,616, A>G on the plus strand (T>C on the coding strand, the complement: POLG2 is on the minus strand). VCF-style: chr17-64496616-A-G. GRCh37 (hg19) VCF-style: chr17-62492734-A-G.
Other names: short protein forms V118A.
Identifiers: ClinVar variation 1720807 (VCV001720807.5), dbSNP rs2509560635, ClinGen allele CA400641111.

ClinVar aggregate classification (germline): Uncertain significance (1 of 4 stars; one submission).

Allele frequency attached by ClinVar (database versions not stated): gnomAD exomes below 0.00001.
gnomAD v4.1: 1 of 1,613,852 alleles (0.000062%); highest among the groups gnomAD compares: Non-Finnish European, 0.000085%; no homozygotes.

Submission:

Labcorp Genetics (formerly Invitae), Labcorp
Classification: Uncertain significance. Last evaluated: 2022-10-01. Review status: criteria provided, single submitter. Criteria: Invitae Variant Classification Sherloc (09022015). Collection method: clinical testing. Allele origin: germline.
Comment: Algorithms developed to predict the effect of missense changes on protein structure and function are either unavailable or do not agree on the potential impact of this missense change (SIFT: "Deleterious"; PolyPhen-2: "Benign"; Align-GVGD: "Class C0"). This variant has not been reported in the literature in individuals affected with POLG2-related conditions. This variant is not present in population databases (gnomAD no frequency). This sequence change replaces valine, which is neutral and non-polar, with alanine, which is neutral and non-polar, at codon 118 of the POLG2 protein (p.Val118Ala). In summary, the available evidence is currently insufficient to determine the role of this variant in disease. Therefore, it has been classified as a Variant of Uncertain Significance.